The following is an entry in ClinVar:

ClinVar aggregate classification (germline): Pathogenic (1 of 4 stars; one submission).

Conditions:
Breast-ovarian cancer, familial, susceptibility to, 2 (BROVCA2). Also called: BRCA2 Hereditary Breast and Ovarian Cancer. Identifiers: Orphanet 145, MedGen C2675520, MONDO:0012933, OMIM 612555. Disease mechanism: loss of function.

Submission:

Gemeinschaftspraxis fuer Humangenetik Dresden
Classification: Pathogenic for Breast-ovarian cancer, familial, susceptibility to, 2. Last evaluated: 2025-08-25. Review status: criteria provided, single submitter. Criteria: ACMG Guidelines, 2015. Collection method: clinical testing. Allele origin: germline. Inheritance: Autosomal dominant inheritance. Affected: yes.
Comment: The variant c.6085_6086dup, p.(Asn2030Lysfs*11) is not reported in HGMD 2025.2, dbSNP (v156), gnomAD (v4.1) or LOVD (we submitted there) so far. Due to the protein truncating character the variant is classified as pathogenic.

NM_000059.4(BRCA2):c.6085_6086dup (p.Asn2030fs)

Gene: BRCA2 (BRCA2 DNA repair associated; plus strand). Cytogenetic location: 13q13.1.
Variant type: Duplication.
Coding change: c.6085_6086dup on transcript NM_000059.4 (MANE Select); coding-DNA positions 6085 to 6086, 2 bases duplicated (GA; older notation c.6085_6086dupGA).
Protein change: p.Asn2030fs; shifts the reading frame from asparagine 2030.
Molecular consequence: frameshift variant. On other transcripts: non-coding transcript variant (1), intron variant (2).
Genome position (GRCh38, 1-based): chr13:32,340,440-32,340,441, GA duplicated; duplicating any 2 consecutive bases within chr13:32,340,439-32,340,441 gives the same sequence; the c. name uses the placement nearest the transcript's 3' end. VCF-style (leftmost placement, unchanged base first): chr13-32340438-A-AAG. GRCh37 (hg19) VCF-style: chr13-32914575-A-AAG.
Other names: c.6085_6086dup, p.Asn2030fs (NM_001406719.1, NM_001406720.1, NM_001432077.1); c.1910-4118_1910-4117dup (NM_001406721.1); c.425-4118_425-4117dup (NM_001406722.1); short protein forms N2030fs.
Identifiers: ClinVar variation 4082085 (VCV004082085.1).